The following is an entry in ClinVar:

NM_000179.3(MSH6):c.1780G>A (p.Val594Ile)

Gene: MSH6 (mutS homolog 6; plus strand). Cytogenetic location: 2p16.3.
Variant type: single nucleotide variant.
Coding change: c.1780G>A on transcript NM_000179.3 (MANE Select); coding-DNA position 1780, G replaced by A.
Protein change: p.Val594Ile; replaces valine 594 with isoleucine.
Molecular consequence: missense variant.
Genome position (GRCh38, 1-based): chr2:47,799,763, G>A. VCF-style: chr2-47799763-G-A. GRCh37 (hg19) VCF-style: chr2-48026902-G-A.
Other names: c.1390G>A, p.Val464Ile (NM_001281492.2); c.874G>A, p.Val292Ile (NM_001281493.2, NM_001281494.2); short protein forms V292I, V464I, V594I.
Identifiers: ClinVar variation 1026783 (VCV001026783.10), dbSNP rs757029447, ClinGen allele CA068137.

ClinVar aggregate classification (germline): Uncertain significance (1 of 4 stars; one submission).

Conditions:
Hereditary nonpolyposis colorectal neoplasms. Identifiers: MedGen C0009405, MeSH D003123.

Allele frequency attached by ClinVar (database versions not stated): gnomAD exomes below 0.00001; ExAC 0.00001.
gnomAD v4.1: 1 of 1,614,154 alleles (0.000062%); highest among the groups gnomAD compares: Admixed American, 0.0017%; no homozygotes.

Submission:

Labcorp Genetics (formerly Invitae), Labcorp
Classification: Uncertain significance for Hereditary nonpolyposis colorectal neoplasms. Last evaluated: 2020-02-11. Review status: criteria provided, single submitter. Criteria: Invitae Variant Classification Sherloc (09022015). Collection method: clinical testing. Allele origin: germline.
Comment: This sequence change replaces valine with isoleucine at codon 594 of the MSH6 protein (p.Val594Ile). The valine residue is moderately conserved and there is a small physicochemical difference between valine and isoleucine. This variant is present in population databases (rs757029447, ExAC 0.009%). This variant has not been reported in the literature in individuals with MSH6-related conditions. Algorithms developed to predict the effect of missense changes on protein structure and function output the following: SIFT: "Tolerated"; PolyPhen-2: "Benign"; Align-GVGD: "Class C0". The isoleucine amino acid residue is found in multiple mammalian species, suggesting that this missense change does not adversely affect protein function. These predictions have not been confirmed by published functional studies and their clinical significance is uncertain. In summary, the available evidence is currently insufficient to determine the role of this variant in disease. Therefore, it has been classified as a Variant of Uncertain Significance.